The following is an entry in ClinVar:

ClinVar aggregate classification (germline): Likely pathogenic (1 of 4 stars; one submission).

Conditions:
Developmental and epileptic encephalopathy 92. Also called: EPILEPTIC ENCEPHALOPATHY, INFANTILE OR EARLY CHILDHOOD, 2. Identifiers: MedGen C4693362, MONDO:0020631, OMIM 617829.

Submission:

New York Genome Center
Classification: Likely pathogenic for Developmental and epileptic encephalopathy 92. Last evaluated: 2019-05-24. Review status: criteria provided, single submitter. Criteria: NYGC Assertion Criteria 2020. Collection method: clinical testing. Allele origin: de novo. Affected: yes. Observed: 1 heterozygote, 1 mosaic individual. Study: CSER-NYCKidSeq.
Comment: This de novo heterozygous p.Ile299Val missense variant is absent from the gnomAD database and has not been reported in affected individuals in the available literature. The p.Ile299Val variant affects an evolutionary conserved residue and is predicted deleterious by multiple in silico tools. All GABRB2 mutations reported in the HGMD database are missense, and majority of these are located between amino acid 244 to 304 [1]. Most patients carrying a de novo missense variant residing within amino acids 244 to 304 have global developmental delay or intellectual disability, intractable generalized seizures, and developmental and epileptic encephalopathy [PMID: 29100083]. Based on the current evidence, the de novo p.Ile299Val variant in the GABRB2 gene is assessed as likely pathogenic.

NM_001371727.1(GABRB2):c.895A>G (p.Ile299Val)

Gene: GABRB2 (gamma-aminobutyric acid type A receptor subunit beta2; minus strand). Cytogenetic location: 5q34.
Variant type: single nucleotide variant.
Coding change: c.895A>G on transcript NM_001371727.1 (MANE Select); coding-DNA position 895, A replaced by G.
Protein change: p.Ile299Val; replaces isoleucine 299 with valine.
Molecular consequence: missense variant.
Genome position (GRCh38, 1-based): chr5:161,331,065, T>C on the plus strand (A>G on the coding strand, the complement: GABRB2 is on the minus strand). VCF-style: chr5-161331065-T-C. GRCh37 (hg19) VCF-style: chr5-160758072-T-C.
Other names: c.895A>G, p.Ile299Val (NM_000813.3, NM_021911.3); short protein forms I299V.
Identifiers: ClinVar variation 983416 (VCV000983416.2), dbSNP rs1580984895, ClinGen allele CA362175394.